The following is an entry in ClinVar:

NM_080424.4(SP110):c.1733G>A (p.Arg578Lys)

Gene: SP110 (SP110 nuclear body protein; minus strand). Cytogenetic location: 2q37.1.
Variant type: single nucleotide variant.
Coding change: c.1733G>A on transcript NM_080424.4 (MANE Select); coding-DNA position 1733, G replaced by A.
Protein change: p.Arg578Lys; replaces arginine 578 with lysine.
Molecular consequence: missense variant.
Genome position (GRCh38, 1-based): chr2:230,172,148, C>T on the plus strand (G>A on the coding strand, the complement: SP110 is on the minus strand). VCF-style: chr2-230172148-C-T. GRCh37 (hg19) VCF-style: chr2-231036864-C-T.
Other names: c.1751G>A, p.Arg584Lys (NM_001378442.1, NM_001378444.1, NM_001378445.1 and 1 more transcripts); c.1733G>A, p.Arg578Lys (NM_001378443.1, NM_004509.5); short protein forms R578K, R584K.
Identifiers: ClinVar variation 1362169 (VCV001362169.5), dbSNP rs2106348583, ClinGen allele CA350900658.

ClinVar aggregate classification (germline): Uncertain significance (1 of 4 stars; one submission).

Conditions:
Hepatic veno-occlusive disease-immunodeficiency syndrome. Also called: Hepatic Veno-Occlusive Disease with Immunodeficiency. Identifiers: Orphanet 79124, MedGen C1856128, MONDO:0009338, OMIM 235550. Disease mechanism: loss of function.

Allele frequency attached by ClinVar (database versions not stated): gnomAD exomes below 0.00001.
gnomAD v4.1: 1 of 1,612,736 alleles (0.000062%); highest among the groups gnomAD compares: African/African-American, 0.0013%; no homozygotes.

Submission:

Labcorp Genetics (formerly Invitae), Labcorp
Classification: Uncertain significance for Hepatic veno-occlusive disease-immunodeficiency syndrome. Last evaluated: 2022-08-09. Review status: criteria provided, single submitter. Criteria: Invitae Variant Classification Sherloc (09022015). Collection method: clinical testing. Allele origin: germline.
Comment: In summary, the available evidence is currently insufficient to determine the role of this variant in disease. Therefore, it has been classified as a Variant of Uncertain Significance. Algorithms developed to predict the effect of sequence changes on RNA splicing suggest that this variant may create or strengthen a splice site. Algorithms developed to predict the effect of missense changes on protein structure and function output the following: SIFT: "Tolerated"; PolyPhen-2: "Benign"; Align-GVGD: "Class C0". The lysine amino acid residue is found in multiple mammalian species, which suggests that this missense change does not adversely affect protein function. ClinVar contains an entry for this variant (Variation ID: 1362169). This variant has not been reported in the literature in individuals affected with SP110-related conditions. This variant is not present in population databases (gnomAD no frequency). This sequence change replaces arginine, which is basic and polar, with lysine, which is basic and polar, at codon 578 of the SP110 protein (p.Arg578Lys).